The following is an entry in ClinVar:

ClinVar aggregate classification (germline): Benign (0 of 4 stars; one submission).

Conditions:
MYO7B-related disorder. Also called: MYO7B-related condition.

Allele frequency attached by ClinVar (database versions not stated): gnomAD exomes 0.00028; 1000 Genomes Project 0.00040; 1000 Genomes Project 30x 0.00047; ESP Exome Variant Server 0.00047; gnomAD 0.00080; ExAC 0.00091; TOPMed 0.00123.
gnomAD v4.1: 552 of 1,613,282 alleles (0.034%); highest among the groups gnomAD compares: Admixed American, 0.8%; 3 homozygotes.

Submission:

PreventionGenetics, part of Exact Sciences
Classification: Benign for MYO7B-related condition. Last evaluated: 2019-05-08. Review status: no assertion criteria provided. Collection method: clinical testing. Allele origin: germline.
Comment: This variant is classified as benign based on ACMG/AMP sequence variant interpretation guidelines (Richards et al. 2015 PMID: 25741868, with internal and published modifications).

NM_001393586.1(MYO7B):c.6303C>G (p.Ser2101Arg)

Gene: MYO7B (myosin VIIB; plus strand). Cytogenetic location: 2q14.3.
Variant type: single nucleotide variant.
Coding change: c.6303C>G on transcript NM_001393586.1 (MANE Select); coding-DNA position 6303, C replaced by G.
Protein change: p.Ser2101Arg; replaces serine 2101 with arginine.
Molecular consequence: missense variant.
Genome position (GRCh38, 1-based): chr2:127,636,889, C>G. VCF-style: chr2-127636889-C-G. GRCh37 (hg19) VCF-style: chr2-128394464-C-G.
Other names: c.6225C>G, p.Ser2075Arg (NM_001080527.2); c.2784C>G, p.Ser928Arg (NM_001393594.1); short protein forms S2075R, S2101R, S928R.
Identifiers: ClinVar variation 3037819 (VCV003037819.2), dbSNP rs199519707, ClinGen allele CA1862640.